The following is an entry in ClinVar:

NM_018096.5(NLE1):c.828C>T (p.Asp276=)

Gene: NLE1 (notchless homolog 1; minus strand). Cytogenetic location: 17q12.
Variant type: single nucleotide variant.
Coding change: c.828C>T on transcript NM_018096.5 (MANE Select); coding-DNA position 828, C replaced by T.
Protein change: p.Asp276=; no amino-acid change (aspartic acid 276 retained).
Molecular consequence: synonymous variant. On other transcripts: 5 prime UTR variant (1).
Genome position (GRCh38, 1-based): chr17:35,137,001, G>A on the plus strand (C>T on the coding strand, the complement: NLE1 is on the minus strand). VCF-style: chr17-35137001-G-A. GRCh37 (hg19) VCF-style: chr17-33464020-G-A.
Other names: c.-49C>T (NM_001014445.2).
Identifiers: ClinVar variation 2647661 (VCV002647661.24), dbSNP rs139216593, ClinGen allele CA8500362.

ClinVar aggregate classification (germline): Likely benign (1 of 4 stars; one submission).

Allele frequency attached by ClinVar (database versions not stated): gnomAD exomes 0.00017; ExAC 0.00018; TOPMed 0.00041; gnomAD 0.00042; ESP Exome Variant Server 0.00085; 1000 Genomes Project 30x 0.00094; 1000 Genomes Project 0.00120.
gnomAD v4.1: 306 of 1,595,554 alleles (0.019%); highest among the groups gnomAD compares: East Asian, 0.39%; 1 homozygote.

Submission:

CeGaT Center for Human Genetics Tuebingen
Classification: Likely benign. Last evaluated: 2022-04-01. Review status: criteria provided, single submitter. Criteria: CeGaT Center For Human Genetics Tuebingen Variant Classification Criteria Version 2. Collection method: clinical testing. Allele origin: germline. Affected: yes. Observed: 1 variant allele.
Comment: NLE1: BP4, BP7